The following is an entry in ClinVar:

NM_001002755.4(NFU1):c.721-9dup

Gene: NFU1 (NFU1 iron-sulfur cluster scaffold; minus strand). Cytogenetic location: 2p13.3.
Variant type: Duplication.
Coding change: c.721-9dup on transcript NM_001002755.4 (MANE Select); 9 bases into the intron before coding-DNA position 721, one base duplicated (T; older notation c.721-9dupT).
Molecular consequence: intron variant.
Genome position (GRCh38, 1-based): chr2:69,396,299, A duplicated on the plus strand (T on the coding strand, the reverse complement: NFU1 is on the minus strand); the first of 6 consecutive A bases (chr2:69,396,299-69,396,304); duplicating any one gives the same sequence. VCF-style (leftmost placement, unchanged base first): chr2-69396298-C-CA. GRCh37 (hg19) VCF-style: chr2-69623430-C-CA.
Other names: c.649-9dup (NM_015700.4, NM_001374284.1); c.298-9dup (NM_001002756.2); c.721-9dupT (NM_001002755.2).
Identifiers: ClinVar variation 419856 (VCV000419856.1), dbSNP rs754175892, ClinGen allele CA1694062.
Genomic context (GRCh38, chr2:69,396,298, plus strand): 5'-AGATTATTTTAAGGTGAGTTTGCTTCTTTTTCATCTGATTCATCATCCATAACCTAAAAC[C>CA]AAAAAACAAAGACAATTTAAGAATTAAGAAAATGATTAGATTTTGCTGTTTTCCTGATTT-3'

ClinVar aggregate classification (germline): Likely benign (1 of 4 stars; one submission).

Submission:

GeneDx
Classification: Likely benign. Last evaluated: 2015-10-02. Review status: criteria provided, single submitter. Criteria: GeneDx Variant Classification (06012015). Collection method: clinical testing. Allele origin: germline. Affected: yes.
Comment: This variant is considered likely benign or benign based on one or more of the following criteria: it is a conservative change, it occurs at a poorly conserved position in the protein, it is predicted to be benign by multiple in silico algorithms, and/or has population frequency not consistent with disease.